The following is an entry in ClinVar:

NM_000836.4(GRIN2D):c.3359G>T (p.Ser1120Ile)

Gene: GRIN2D (glutamate ionotropic receptor NMDA type subunit 2D; plus strand). Cytogenetic location: 19q13.33.
Variant type: single nucleotide variant.
Coding change: c.3359G>T on transcript NM_000836.4 (MANE Select); coding-DNA position 3359, G replaced by T.
Protein change: p.Ser1120Ile; replaces serine 1120 with isoleucine.
Molecular consequence: missense variant.
Genome position (GRCh38, 1-based): chr19:48,443,285, G>T. VCF-style: chr19-48443285-G-T. GRCh37 (hg19) VCF-style: chr19-48946542-G-T.
Other names: c.3359G>T (NM_000836.2); short protein forms S1120I.
Identifiers: ClinVar variation 1976467 (VCV001976467.6), dbSNP rs2513693106, ClinGen allele CA406675811.

ClinVar aggregate classification (germline): Uncertain significance. Review status: criteria provided, multiple submitters, no conflicts (2 of 4 stars). 2 submissions from 2 submitters: Uncertain significance (2). Last evaluated 2025-10-18.

Conditions:
Inborn genetic diseases. Identifiers: MedGen C0950123, MeSH D030342.

Allele frequency attached by ClinVar (database versions not stated): gnomAD exomes below 0.00001.
gnomAD v4.1: 1 of 1,539,410 alleles (0.000065%); highest among the groups gnomAD compares: Admixed American, 0.0019%; no homozygotes.

Submissions (2):

Ambry Genetics
Classification: Uncertain significance for Inborn genetic diseases. Last evaluated: 2025-10-18. Review status: criteria provided, single submitter. Criteria: Ambry Variant Classification Scheme 2023. Collection method: clinical testing. Allele origin: germline.

Labcorp Genetics (formerly Invitae), Labcorp
Classification: Uncertain significance. Last evaluated: 2022-07-12. Review status: criteria provided, single submitter. Criteria: Invitae Variant Classification Sherloc (09022015). Collection method: clinical testing. Allele origin: germline.
Comment: In summary, the available evidence is currently insufficient to determine the role of this variant in disease. Therefore, it has been classified as a Variant of Uncertain Significance. Advanced modeling of protein sequence and biophysical properties (such as structural, functional, and spatial information, amino acid conservation, physicochemical variation, residue mobility, and thermodynamic stability) performed at Invitae indicates that this missense variant is not expected to disrupt GRIN2D protein function. This variant has not been reported in the literature in individuals affected with GRIN2D-related conditions. This variant is not present in population databases (gnomAD no frequency). This sequence change replaces serine, which is neutral and polar, with isoleucine, which is neutral and non-polar, at codon 1120 of the GRIN2D protein (p.Ser1120Ile).